The following is an entry in ClinVar:

ClinVar aggregate classification (germline): Pathogenic (1 of 4 stars; one submission).

Submission:

GeneDx
Classification: Pathogenic. Last evaluated: 2015-08-28. Review status: criteria provided, single submitter. Criteria: GeneDx Variant Classification (06012015). Collection method: clinical testing. Allele origin: germline. Affected: yes.
Comment: The c.5403_5406delTGAG deletion in the SCN1A gene causes a frameshift starting with codon Serine 1801, changes this amino acid to an Arginine residue and creates a premature Stop codon at position 56 of the new reading frame, denoted Ser1801ArgfsX56. This variant is predicted to cause loss of normal protein function through protein truncation as the last 209 amino acids of the SCN1A protein are lost and replaced with 55 incorrect amino acids. Although this variant has not been previously reported to our knowledge, we interpret it as pathogenic.

NM_001165963.4(SCN1A):c.5403_5406del (p.Ser1801fs)

Genes: SCN1A (sodium voltage-gated channel alpha subunit 1; minus strand), LOC102724058 (uncharacterized LOC102724058; plus strand). Cytogenetic location: 2q24.3.
Variant type: Microsatellite.
Coding change: c.5403_5406del on transcript NM_001165963.4 (MANE Select); coding-DNA positions 5403 to 5406, 4 bases deleted (TGAG; older notation c.5403_5406delTGAG).
Protein change: p.Ser1801fs; shifts the reading frame from serine 1801.
Molecular consequence: frameshift variant. On other transcripts: non-coding transcript variant (1).
Genome position (GRCh38, 1-based): chr2:165,991,869-165,991,872, CTCA deleted on the plus strand (TGAG on the coding strand, the reverse complement: SCN1A is on the minus strand); deleting any 4 consecutive bases within chr2:165,991,869-165,991,876 gives the same sequence; the c. name uses the placement nearest the transcript's 3' end. VCF-style (leftmost placement, unchanged base first): chr2-165991868-CCTCA-C. GRCh37 (hg19) VCF-style: chr2-166848378-CCTCA-C.
Other names: c.5319_5322del, p.Ser1773fs (NM_001165964.3, NM_001353957.2, NM_001353958.2); c.5403_5406del, p.Ser1801fs (NM_001202435.3, NM_001353948.2); c.5370_5373del, p.Ser1790fs (NM_001353949.2, NM_001353950.2, NM_001353951.2 and 2 more transcripts); c.5367_5370del, p.Ser1789fs (NM_001353954.2, NM_001353955.2); c.5316_5319del, p.Ser1772fs (NM_001353960.2); c.2961_2964del, p.Ser987fs (NM_001353961.2); short protein forms S1772fs, S1773fs, S987fs, S1789fs, S1790fs, S1801fs.
Identifiers: ClinVar variation 427019 (VCV000427019.2), dbSNP rs1085307901, ClinGen allele CA645293938.